The following is an entry in ClinVar:

NM_016507.4(CDK12):c.2654A>C (p.Asn885Thr)

Gene: CDK12 (cyclin dependent kinase 12; plus strand). Cytogenetic location: 17q12.
Variant type: single nucleotide variant.
Coding change: c.2654A>C on transcript NM_016507.4 (MANE Select); coding-DNA position 2654, A replaced by C.
Protein change: p.Asn885Thr; replaces asparagine 885 with threonine.
Molecular consequence: missense variant.
Genome position (GRCh38, 1-based): chr17:39,509,749, A>C. VCF-style: chr17-39509749-A-C. GRCh37 (hg19) VCF-style: chr17-37666002-A-C.
Other names: c.2654A>C, p.Asn885Thr (NM_015083.4); short protein forms N885T.
Identifiers: ClinVar variation 3830480 (VCV003830480.1).

ClinVar aggregate classification (germline): Uncertain significance (1 of 4 stars; one submission).

Submission:

Ambry Genetics
Classification: Uncertain significance. Last evaluated: 2025-01-10. Review status: criteria provided, single submitter. Criteria: Ambry Variant Classification Scheme 2023. Collection method: clinical testing. Allele origin: germline.
Comment: The p.N885T variant (also known as c.2654A>C), located in coding exon 7 of the CDK12 gene, results from an A to C substitution at nucleotide position 2654. The asparagine at codon 885 is replaced by threonine, an amino acid with similar properties. This amino acid position is conserved. In addition, this alteration is predicted to be tolerated by in silico analysis. Based on the available evidence, the clinical significance of this variant remains unclear.